The following is an entry in ClinVar:

ClinVar aggregate classification (germline): Benign (0 of 4 stars; one submission).

Conditions:
TNS1-related disorder. Also called: TNS1-related condition.

Allele frequency attached by ClinVar (database versions not stated): gnomAD 0.40295; ExAC 0.40315; gnomAD exomes 0.40420; ESP Exome Variant Server 0.40604; 1000 Genomes Project 0.37680; 1000 Genomes Project 30x 0.38023; TOPMed 0.40788.
gnomAD v4.1: 651,704 of 1,612,754 alleles (40%); highest among the groups gnomAD compares: Middle Eastern, 49%; 132,737 homozygotes.

Submission:

PreventionGenetics, part of Exact Sciences
Classification: Benign for TNS1-related condition. Last evaluated: 2019-10-17. Review status: no assertion criteria provided. Collection method: clinical testing. Allele origin: germline.
Comment: This variant is classified as benign based on ACMG/AMP sequence variant interpretation guidelines (Richards et al. 2015 PMID: 25741868, with internal and published modifications).

NM_001387777.1(TNS1):c.4581T>C (p.Ser1527=)

Gene: TNS1 (tensin 1; minus strand). Cytogenetic location: 2q35.
Variant type: single nucleotide variant.
Coding change: c.4581T>C on transcript NM_001387777.1 (MANE Select); coding-DNA position 4581, T replaced by C.
Protein change: p.Ser1527=; no amino-acid change (serine 1527 retained).
Molecular consequence: synonymous variant.
Genome position (GRCh38, 1-based): chr2:217,817,751, A>G on the plus strand (T>C on the coding strand, the complement: TNS1 is on the minus strand). VCF-style: chr2-217817751-A-G. GRCh37 (hg19) VCF-style: chr2-218682474-A-G.
Other names: c.4230T>C, p.Ser1410= (NM_001308022.2); c.4206T>C, p.Ser1402= (NM_001308023.2); c.4269T>C, p.Ser1423= (NM_022648.7).
Identifiers: ClinVar variation 3060871 (VCV003060871.2), dbSNP rs12694422, ClinGen allele CA2099583.